The following is an entry in ClinVar:

NM_004249.4(RAB28):c.659A>G (p.Gln220Arg)

Gene: RAB28 (RAB28, member RAS oncogene family; minus strand). Cytogenetic location: 4p15.33.
Variant type: single nucleotide variant.
Coding change: c.659A>G on transcript NM_004249.4 (MANE Plus Clinical); coding-DNA position 659, A replaced by G.
Protein change: p.Gln220Arg; replaces glutamine 220 with arginine.
Molecular consequence: missense variant. On other transcripts: intron variant (2).
Genome position (GRCh38, 1-based): chr4:13,369,880, T>C on the plus strand (A>G on the coding strand, the complement: RAB28 is on the minus strand). VCF-style: chr4-13369880-T-C. GRCh37 (hg19) VCF-style: chr4-13371504-T-C.
Other names: c.574-1230A>G (NM_001017979.3); c.*32-1230A>G (NM_001159601.2); short protein forms Q220R.
Identifiers: ClinVar variation 2077873 (VCV002077873.2), dbSNP rs2474572485, ClinGen allele CA356404326.

ClinVar aggregate classification (germline): Uncertain significance (1 of 4 stars; one submission).

Submission:

Labcorp Genetics (formerly Invitae), Labcorp
Classification: Uncertain significance. Last evaluated: 2025-04-21. Review status: criteria provided, single submitter. Criteria: Invitae Variant Classification Sherloc (09022015). Collection method: clinical testing. Allele origin: germline.
Comment: This sequence change replaces glutamine, which is neutral and polar, with arginine, which is basic and polar, at codon 220 of the RAB28 protein (p.Gln220Arg). This variant is not present in population databases (gnomAD no frequency). This variant has not been reported in the literature in individuals affected with RAB28-related conditions. ClinVar contains an entry for this variant (Variation ID: 2077873). An algorithm developed to predict the effect of missense changes on protein structure and function (PolyPhen-2) suggests that this variant is likely to be disruptive. In summary, the available evidence is currently insufficient to determine the role of this variant in disease. Therefore, it has been classified as a Variant of Uncertain Significance.